The following is an entry in ClinVar:

ClinVar aggregate classification (germline): Pathogenic (1 of 4 stars; one submission).

Conditions:
Peroxisome biogenesis disorder 2B (PBD2B). Identifiers: Orphanet 44, MedGen C3550234, MONDO:0008736, OMIM 202370.

Submission:

Labcorp Genetics (formerly Invitae), Labcorp
Classification: Pathogenic for Peroxisome biogenesis disorder 2B. Last evaluated: 2024-10-24. Review status: criteria provided, single submitter. Criteria: Invitae Variant Classification Sherloc (09022015). Collection method: clinical testing. Allele origin: germline.
Comment: This sequence change creates a premature translational stop signal (p.Leu452Argfs*13) in the PEX5 gene. It is expected to result in an absent or disrupted protein product. Loss-of-function variants in PEX5 are known to be pathogenic (PMID: 18712838, 21031596). This variant is not present in population databases (gnomAD no frequency). This variant has not been reported in the literature in individuals affected with PEX5-related conditions. ClinVar contains an entry for this variant (Variation ID: 2055270). For these reasons, this variant has been classified as Pathogenic.

Literature cited by the submitters: PubMed 18712838; PubMed 21031596.

NM_001351132.2(PEX5):c.1355_1356del (p.Leu452fs)

Gene: PEX5 (peroxisomal biogenesis factor 5; plus strand). Cytogenetic location: 12p13.31.
Variant type: Deletion.
Coding change: c.1355_1356del on transcript NM_001351132.2 (MANE Select); coding-DNA positions 1355 to 1356, 2 bases deleted (TG; older notation c.1355_1356delTG).
Protein change: p.Leu452fs; shifts the reading frame from leucine 452.
Molecular consequence: frameshift variant.
Genome position (GRCh38, 1-based): chr12:7,208,630-7,208,631, TG deleted. VCF-style (leftmost placement, unchanged base first): chr12-7208629-CTG-C. GRCh37 (hg19) VCF-style: chr12-7361225-CTG-C.
Other names: c.1244_1245del, p.Leu415fs (NM_001131024.2, NM_001351124.3, NM_001351126.2 and 7 more transcripts); c.1355_1356del, p.Leu452fs (NM_001131025.2, NM_001131026.2, NM_001300789.3 and 4 more transcripts); c.1289_1290del, p.Leu430fs (NM_001351135.3, NM_001351138.2); c.1346_1347del, p.Leu449fs (NM_001351136.2); c.1220_1221del, p.Leu407fs (NM_001351139.2, NM_001351140.2, NM_001374649.2); c.1331_1332del, p.Leu444fs (NM_000319.5); c.1400_1401del, p.Leu467fs (NM_001131023.2); short protein forms L415fs, L449fs, L430fs, L407fs, L467fs, L444fs, L452fs.
Identifiers: ClinVar variation 2055270 (VCV002055270.4), dbSNP rs2540276834, ClinGen allele CA2580086287.